The following is an entry in ClinVar:

ClinVar aggregate classification (germline): Pathogenic (1 of 4 stars; one submission).

Submission:

Labcorp Genetics (formerly Invitae), Labcorp
Classification: Pathogenic. Last evaluated: 2021-10-23. Review status: criteria provided, single submitter. Criteria: Invitae Variant Classification Sherloc (09022015). Collection method: clinical testing. Allele origin: germline.
Comment: This sequence change creates a premature translational stop signal (p.Asp1759Thrfs*82) in the COL7A1 gene. It is expected to result in an absent or disrupted protein product. Loss-of-function variants in COL7A1 are known to be pathogenic (PMID: 16971478). This variant is not present in population databases (ExAC no frequency). This variant has not been reported in the literature in individuals affected with COL7A1-related conditions. For these reasons, this variant has been classified as Pathogenic.

Literature cited by the submitters: PubMed 16971478.

NC_000003.12:g.48579405del

Gene: COL7A1 (collagen type VII alpha 1 chain; minus strand). Cytogenetic location: 3p21.31.
Variant type: Deletion.
Genome position: GRCh38 VCF-style: chr3-48579400-TC-T. GRCh37 (hg19) VCF-style: chr3-48616833-TC-T.
Identifiers: ClinVar variation 1455545 (VCV001455545.6), dbSNP rs2107698224, ClinGen allele CA2573137024.